The following is an entry in ClinVar:

ClinVar aggregate classification (germline): Likely benign (1 of 4 stars; one submission).

Allele frequency attached by ClinVar (database versions not stated): 1000 Genomes Project 30x 0.00031; 1000 Genomes Project 0.00040; ESP Exome Variant Server 0.00100.
gnomAD v4.1: 1,484 of 1,613,932 alleles (0.092%); highest among the groups gnomAD compares: Middle Eastern, 0.2%; 2 homozygotes.

Submission:

CeGaT Center for Human Genetics Tuebingen
Classification: Likely benign. Last evaluated: 2023-01-01. Review status: criteria provided, single submitter. Criteria: CeGaT Center For Human Genetics Tuebingen Variant Classification Criteria Version 2. Collection method: clinical testing. Allele origin: germline. Affected: yes. Observed: 2 variant alleles.
Comment: MYOM3: BP4, BP7

NM_152372.4(MYOM3):c.3696C>T (p.Thr1232=)

Gene: MYOM3 (myomesin 3; minus strand). Cytogenetic location: 1p36.11.
Variant type: single nucleotide variant.
Coding change: c.3696C>T on transcript NM_152372.4 (MANE Select); coding-DNA position 3696, C replaced by T.
Protein change: p.Thr1232=; no amino-acid change (threonine 1232 retained).
Molecular consequence: synonymous variant.
Genome position (GRCh38, 1-based): chr1:24,063,200, G>A on the plus strand (C>T on the coding strand, the complement: MYOM3 is on the minus strand). VCF-style: chr1-24063200-G-A. GRCh37 (hg19) VCF-style: chr1-24389690-G-A.
Identifiers: ClinVar variation 2638487 (VCV002638487.24), dbSNP rs140762098, ClinGen allele CA687196.
Genomic context (GRCh38, chr1:24,063,200, plus strand): 5'-GGTTTTCATGTACTCCACGTTGTAGTACTTGACCTTGCTGAAGATCCGGATCCCTTCCTC[G>A]GTCCCCTGGATTTTCAGTGGAGTTGCAGAGAGGGCTGGGGAGACAGAGGAGAAGGATGAA-3'
Protein context (NP_689585.3, residues 1222-1242): LSATPLKIQG[Thr1232=]EEGIRIFSKV